The following is an entry in ClinVar:

NM_004260.4(RECQL4):c.1765G>A (p.Gly589Ser)

Gene: RECQL4 (RecQ like helicase 4; minus strand). Cytogenetic location: 8q24.3.
Variant type: single nucleotide variant.
Coding change: c.1765G>A on transcript NM_004260.4 (MANE Select); coding-DNA position 1765, G replaced by A.
Protein change: p.Gly589Ser; replaces glycine 589 with serine.
Molecular consequence: missense variant.
Genome position (GRCh38, 1-based): chr8:144,514,302, C>T on the plus strand (G>A on the coding strand, the complement: RECQL4 is on the minus strand). VCF-style: chr8-144514302-C-T. GRCh37 (hg19) VCF-style: chr8-145739686-C-T.
Other names: short protein forms G589S.
Identifiers: ClinVar variation 406930 (VCV000406930.9), dbSNP rs1060501364, ClinGen allele CA16612419.

ClinVar aggregate classification (germline): Uncertain significance. Review status: criteria provided, multiple submitters, no conflicts (2 of 4 stars). 3 submissions from 3 submitters: Uncertain significance (3). Last evaluated 2025-12-09.

Conditions:
Inborn genetic diseases. Identifiers: MedGen C0950123, MeSH D030342.
Baller-Gerold syndrome (BGS). Also called: CRANIOSYNOSTOSIS WITH RADIAL DEFECTS. Identifiers: Orphanet 1225, MedGen C0265308, MONDO:0009039, OMIM 218600.

Allele frequency attached by ClinVar (database versions not stated): gnomAD exomes below 0.00001.
gnomAD v4.1: 2 of 1,610,330 alleles (0.00012%); highest among the groups gnomAD compares: Non-Finnish European, 0.00017%; no homozygotes.

Submissions (3):

Labcorp Genetics (formerly Invitae), Labcorp
Classification: Uncertain significance for Baller-Gerold syndrome. Last evaluated: 2025-12-09. Review status: criteria provided, single submitter. Criteria: Invitae Variant Classification Sherloc (09022015). Collection method: clinical testing. Allele origin: germline.
Comment: This sequence change replaces glycine, which is neutral and non-polar, with serine, which is neutral and polar, at codon 589 of the RECQL4 protein (p.Gly589Ser). This variant is not present in population databases (gnomAD no frequency). This variant has not been reported in the literature in individuals affected with RECQL4-related conditions. ClinVar contains an entry for this variant (Variation ID: 406930). Invitae Evidence Modeling of protein sequence and biophysical properties (such as structural, functional, and spatial information, amino acid conservation, physicochemical variation, residue mobility, and thermodynamic stability) indicates that this missense variant is not expected to disrupt RECQL4 protein function with a negative predictive value of 80%. In summary, the available evidence is currently insufficient to determine the role of this variant in disease. Therefore, it has been classified as a Variant of Uncertain Significance.

Ambry Genetics
Classification: Uncertain significance for Inborn genetic diseases. Last evaluated: 2024-11-22. Review status: criteria provided, single submitter. Criteria: Ambry Variant Classification Scheme 2023. Collection method: clinical testing. Allele origin: germline.
Comment: The p.G589S variant (also known as c.1765G>A), located in coding exon 11 of the RECQL4 gene, results from a G to A substitution at nucleotide position 1765. The glycine at codon 589 is replaced by serine, an amino acid with similar properties. This amino acid position is conserved. In addition, this alteration is predicted to be tolerated by in silico analysis. Based on the available evidence, the clinical significance of this variant remains unclear.

Revvity Omics, Revvity
Classification: Uncertain significance. Last evaluated: 2023-04-12. Review status: criteria provided, single submitter. Criteria: ACMG Guidelines, 2015. Collection method: clinical testing. Allele origin: germline.